The following is an entry in ClinVar:

NM_052844.4(DYNC2I2):c.699C>T (p.Val233=)

Gene: DYNC2I2 (dynein 2 intermediate chain 2; minus strand). Cytogenetic location: 9q34.11.
Variant type: single nucleotide variant.
Coding change: c.699C>T on transcript NM_052844.4 (MANE Select); coding-DNA position 699, C replaced by T.
Protein change: p.Val233=; no amino-acid change (valine 233 retained).
Molecular consequence: synonymous variant.
Genome position (GRCh38, 1-based): chr9:128,636,285, G>A on the plus strand (C>T on the coding strand, the complement: DYNC2I2 is on the minus strand). VCF-style: chr9-128636285-G-A. GRCh37 (hg19) VCF-style: chr9-131398564-G-A.
Identifiers: ClinVar variation 720560 (VCV000720560.8), dbSNP rs1354880824, ClinGen allele CA467485910.
Genomic context (GRCh38, chr9:128,636,285, plus strand): 5'-CAGGGCGGGAAGCTGAGTCCTGAGAGGAGAGGAGGCGGACACAGCAGGCAGCTCACCTGC[G>A]ACGTGGGAGGGCTGCGTGGGGTGGAAGGCCAGACACAGGACAGCGCTGGGGACCTCCACC-3'
Protein context (NP_443076.2, residues 223-243): LAFHPTQPSH[Val233=]AGGLYSGEVL

ClinVar aggregate classification (germline): Likely benign. Review status: criteria provided, single submitter (1 of 4 stars). 2 submissions from 2 submitters: Likely benign (1). 1 of the submissions does not count toward it. Last evaluated 2023-12-19.

Conditions:
DYNC2I2-related disorder. Also called: DYNC2I2-related condition.
Short-rib thoracic dysplasia 11 with or without polydactyly (SRTD11). Also called: SHORT-RIB THORACIC DYSPLASIA 11 WITHOUT POLYDACTYLY. Identifiers: Orphanet 474, Orphanet 93271, MedGen C3810200, MONDO:0014287, OMIM 615633.

Allele frequency attached by ClinVar (database versions not stated): gnomAD exomes 0.00004; TOPMed 0.00002; gnomAD 0.00001.
gnomAD v4.1: 62 of 1,567,518 alleles (0.004%); highest among the groups gnomAD compares: Non-Finnish European, 0.0047%; no homozygotes.

Submissions (2):

Labcorp Genetics (formerly Invitae), Labcorp
Classification: Likely benign for Short-rib thoracic dysplasia 11 with or without polydactyly. Last evaluated: 2023-12-19. Review status: criteria provided, single submitter. Criteria: Invitae Variant Classification Sherloc (09022015). Collection method: clinical testing. Allele origin: germline.

PreventionGenetics, part of Exact Sciences
Classification: Likely benign for DYNC2I2-related condition. Last evaluated: 2019-08-08. Review status: no assertion criteria provided. Collection method: clinical testing. Allele origin: germline. Not counted in ClinVar's aggregate classification.
Comment: This variant is classified as likely benign based on ACMG/AMP sequence variant interpretation guidelines (Richards et al. 2015 PMID: 25741868, with internal and published modifications).